The following is an entry in ClinVar:

NM_001164665.2(KIAA1549):c.174C>T (p.Ala58=)

Gene: KIAA1549 (KIAA1549; minus strand). Cytogenetic location: 7q34.
Variant type: single nucleotide variant.
Coding change: c.174C>T on transcript NM_001164665.2 (MANE Select); coding-DNA position 174, C replaced by T.
Protein change: p.Ala58=; no amino-acid change (alanine 58 retained).
Molecular consequence: synonymous variant.
Genome position (GRCh38, 1-based): chr7:138,981,096, G>A on the plus strand (C>T on the coding strand, the complement: KIAA1549 is on the minus strand). VCF-style: chr7-138981096-G-A. GRCh37 (hg19) VCF-style: chr7-138665842-G-A.
Other names: c.174C>T, p.Ala58= (NM_020910.3).
Identifiers: ClinVar variation 3040644 (VCV003040644.3), dbSNP rs968580758, ClinGen allele CA167169227.

ClinVar aggregate classification (germline): Likely benign. Review status: criteria provided, single submitter (1 of 4 stars). 2 submissions from 2 submitters: Likely benign (1). 1 of the submissions does not count toward it. Last evaluated 2023-02-03.

Conditions:
KIAA1549-related disorder. Also called: KIAA1549-related condition.

Allele frequency attached by ClinVar (database versions not stated): gnomAD 0.00002; TOPMed 0.00002; gnomAD exomes 0.00003.
gnomAD v4.1: 43 of 1,224,318 alleles (0.0035%); highest among the groups gnomAD compares: Non-Finnish European, 0.004%; no homozygotes.

Submissions (2):

Blueprint Genetics
Classification: Likely benign. Last evaluated: 2023-02-03. Review status: criteria provided, single submitter. Criteria: ACMG Guidelines, 2015. Collection method: clinical testing. Allele origin: germline.

PreventionGenetics, part of Exact Sciences
Classification: Likely benign for KIAA1549-related condition. Last evaluated: 2019-09-17. Review status: no assertion criteria provided. Collection method: clinical testing. Allele origin: germline. Not counted in ClinVar's aggregate classification.
Comment: This variant is classified as likely benign based on ACMG/AMP sequence variant interpretation guidelines (Richards et al. 2015 PMID: 25741868, with internal and published modifications).